The following is an entry in ClinVar:

ClinVar aggregate classification (germline): Conflicting classifications of pathogenicity. Review status: criteria provided, conflicting classifications (1 of 4 stars). 7 submissions from 6 submitters: Uncertain significance (2); Benign (1); Likely benign (3). 1 of the submissions does not count toward it. Last evaluated 2026-02-01.

Conditions:
Hypophosphatemic rickets, autosomal recessive, 2 (ARHR2). Identifiers: Orphanet 289176, MedGen C2750078, MONDO:0013219, OMIM 613312.
Arterial calcification, generalized, of infancy, 1 (GACI1). Also called: Idiopathic Infantile Arterial Calcification. Identifiers: Orphanet 51608, MedGen C4551985, MONDO:0008817, OMIM 208000.
ENPP1-related disorder. Also called: ENPP1-related disorders; ENPP1-related condition.

Allele frequency attached by ClinVar (database versions not stated): gnomAD exomes 0.00018 and 0.00039; ExAC 0.00042; TOPMed 0.00162; gnomAD 0.00166 and 0.00178; ESP Exome Variant Server 0.00169; 1000 Genomes Project 0.00200; 1000 Genomes Project 30x 0.00219.
gnomAD v4.1: 515 of 1,614,066 alleles (0.032%); highest among the groups gnomAD compares: African/African-American, 0.62%; 2 homozygotes.

Submissions (8):

Labcorp Genetics (formerly Invitae), Labcorp
Classification: Benign. Last evaluated: 2026-02-01. Review status: criteria provided, single submitter. Criteria: Invitae Variant Classification Sherloc (09022015). Collection method: clinical testing. Allele origin: germline.

Blueprint Genetics
Classification: Likely benign. Last evaluated: 2024-02-16. Review status: criteria provided, single submitter. Criteria: ACMG Guidelines, 2015. Collection method: clinical testing. Allele origin: germline.

GeneDx
Classification: Uncertain significance. Last evaluated: 2020-10-15. Review status: criteria provided, single submitter. Criteria: GeneDx Variant Classification Process June 2021. Collection method: clinical testing. Allele origin: germline. Affected: yes.
Comment: In silico analysis, which includes splice predictors and evolutionary conservation, suggests this variant may impact gene splicing. In the absence of RNA/functional studies, the actual effect of this sequence change is unknown.; Has not been previously published as pathogenic or benign to our knowledge

Illumina Laboratory Services, Illumina
Classification: Likely benign for Hypophosphatemic rickets, autosomal recessive, 2. Last evaluated: 2018-01-12. Review status: criteria provided, single submitter. Criteria: ICSL Variant Classification Criteria 13 December 2019. Collection method: clinical testing. Allele origin: germline.
Comment: This variant was observed in the ICSL laboratory as part of a predisposition screen in an ostensibly healthy population. It had not been previously curated by ICSL or reported in the Human Gene Mutation Database (HGMD: prior to June 1st, 2018), and was therefore a candidate for classification through an automated scoring system. Utilizing variant allele frequency, disease prevalence and penetrance estimates, and inheritance mode, an automated score was calculated to assess if this variant is too frequent to cause the disease. Based on the score and internal cut-off values, a variant classified as likely benign is not then subjected to further curation. The score for this variant resulted in a classification of likely benign for this disease.

Illumina Laboratory Services, Illumina
Classification: Likely benign for Arterial calcification, generalized, of infancy, 1. Last evaluated: 2018-01-12. Review status: criteria provided, single submitter. Criteria: ICSL Variant Classification Criteria 13 December 2019. Collection method: clinical testing. Allele origin: germline.
Comment: the same text as in the submission from Illumina Laboratory Services, Illumina above.

Eurofins Ntd Llc (ga)
Classification: Uncertain significance. Last evaluated: 2016-11-23. Review status: criteria provided, single submitter. Criteria: EGL Classification Definitions 2015. Collection method: clinical testing. Allele origin: germline. Observed: 1 variant allele, 1 heterozygote.

PreventionGenetics, part of Exact Sciences
Classification: Likely benign for ENPP1-related condition. Last evaluated: 2020-10-21. Review status: no assertion criteria provided. Collection method: clinical testing. Allele origin: germline. Not counted in ClinVar's aggregate classification.
Comment: This variant is classified as likely benign based on ACMG/AMP sequence variant interpretation guidelines (Richards et al. 2015 PMID: 25741868, with internal and published modifications).

Dr. Peter K. Rogan Lab, Western University
No classification provided (evidence only). Condition: Familial cancer of breast. Review status: no classification provided. Collection method: in vitro. Allele origin: not applicable. Functional consequence: retained intron. Not counted in ClinVar's aggregate classification.

NM_006208.3(ENPP1):c.2757A>T (p.Pro919=)

Gene: ENPP1 (ectonucleotide pyrophosphatase/phosphodiesterase 1; plus strand). Cytogenetic location: 6q23.2.
Variant type: single nucleotide variant.
Coding change: c.2757A>T on transcript NM_006208.3 (MANE Select); coding-DNA position 2757, A replaced by T.
Protein change: p.Pro919=; no amino-acid change (proline 919 retained).
Molecular consequence: synonymous variant.
Genome position (GRCh38, 1-based): chr6:131,890,490, A>T. VCF-style: chr6-131890490-A-T. GRCh37 (hg19) VCF-style: chr6-132211630-A-T.
Identifiers: ClinVar variation 355354 (VCV000355354.24), dbSNP rs73541508, ClinGen allele CA4002625.
Genomic context (GRCh38, chr6:131,890,490, plus strand): 5'-CTTCTATCAACAAAGAAAAGAGCCAGTTTCAGACATTTTAAAGTTGAAAACACATTTGCC[A>T]ACCTTTAGCCAAGAAGACTGATATGTTTTTTATCCCCAAACACCATGAATCTTTTTGAGA-3'
Protein context (NP_006199.2, residues 909-925): SDILKLKTHL[Pro919=]TFSQED